The following is an entry in ClinVar:

ClinVar aggregate classification (germline): Uncertain significance (1 of 4 stars; one submission).

Conditions:
Bardet-Biedl syndrome (BBS). Identifiers: Orphanet 110, MedGen C0752166, MONDO:0015229.

Allele frequency attached by ClinVar (database versions not stated): gnomAD exomes below 0.00001.
gnomAD v4.1: 1 of 1,613,928 alleles (0.000062%); highest among the groups gnomAD compares: Non-Finnish European, 0.000085%; no homozygotes.

Submission:

Labcorp Genetics (formerly Invitae), Labcorp
Classification: Uncertain significance for Bardet-Biedl syndrome. Last evaluated: 2022-10-24. Review status: criteria provided, single submitter. Criteria: Invitae Variant Classification Sherloc (09022015). Collection method: clinical testing. Allele origin: germline.
Comment: In summary, the available evidence is currently insufficient to determine the role of this variant in disease. Therefore, it has been classified as a Variant of Uncertain Significance. Advanced modeling of protein sequence and biophysical properties (such as structural, functional, and spatial information, amino acid conservation, physicochemical variation, residue mobility, and thermodynamic stability) performed at Invitae indicates that this missense variant is not expected to disrupt BBS7 protein function. This variant has not been reported in the literature in individuals affected with BBS7-related conditions. This variant is not present in population databases (gnomAD no frequency). This sequence change replaces isoleucine, which is neutral and non-polar, with valine, which is neutral and non-polar, at codon 609 of the BBS7 protein (p.Ile609Val).

NM_176824.3(BBS7):c.1825A>G (p.Ile609Val)

Gene: BBS7 (Bardet-Biedl syndrome 7; minus strand). Cytogenetic location: 4q27.
Variant type: single nucleotide variant.
Coding change: c.1825A>G on transcript NM_176824.3 (MANE Select); coding-DNA position 1825, A replaced by G.
Protein change: p.Ile609Val; replaces isoleucine 609 with valine.
Molecular consequence: missense variant.
Genome position (GRCh38, 1-based): chr4:121,828,467, T>C on the plus strand (A>G on the coding strand, the complement: BBS7 is on the minus strand). VCF-style: chr4-121828467-T-C. GRCh37 (hg19) VCF-style: chr4-122749622-T-C.
Other names: c.1825A>G, p.Ile609Val (NM_018190.4); short protein forms I609V.
Identifiers: ClinVar variation 2124105 (VCV002124105.4), dbSNP rs2476802836, ClinGen allele CA358055174.